The following is an entry in ClinVar:

NM_013382.7(POMT2):c.1130T>A (p.Leu377Ter)

Gene: POMT2 (protein O-mannosyltransferase 2; minus strand). Cytogenetic location: 14q24.3.
Variant type: single nucleotide variant.
Coding change: c.1130T>A on transcript NM_013382.7 (MANE Select); coding-DNA position 1130, T replaced by A.
Protein change: p.Leu377Ter; replaces leucine 377 with a stop codon.
Molecular consequence: nonsense.
Genome position (GRCh38, 1-based): chr14:77,291,367, A>T on the plus strand (T>A on the coding strand, the complement: POMT2 is on the minus strand). VCF-style: chr14-77291367-A-T. GRCh37 (hg19) VCF-style: chr14-77757710-A-T.
Other names: short protein forms L377*.
Identifiers: ClinVar variation 1969838 (VCV001969838.5), dbSNP rs2503227296, ClinGen allele CA390518954.
Genomic context (GRCh38, chr14:77,291,367, plus strand): 5'-ACATTACCTGAGTTTGTGTTATGTTTCTTGATAATCCACAGGTTGTTGTAGTCCTTGTGC[A>T]AATAGGTGGTGACCTGGGTGGGGGGTGGGGGCGGAGGGAAGAGGAAGCAGGAGGGAGAAT-3'

ClinVar aggregate classification (germline): Pathogenic (1 of 4 stars; one submission).

Conditions:
Muscular dystrophy-dystroglycanopathy (congenital with impaired intellectual development), type B, 2. Also called: MUSCULAR DYSTROPHY, CONGENITAL, POMT2-RELATED; Muscular dystrophy-dystroglycanopathy (congenital with intellectual disability), type B2. Identifiers: MedGen C3150416, MONDO:0013160, OMIM 613156.
Muscular dystrophy-dystroglycanopathy (congenital with brain and eye anomalies), type A2. Also called: MUSCULAR DYSTROPHY-DYSTROGLYCANOPATHY (CONGENITAL WITH BRAIN AND EYE ANOMALIES), TYPE A, 2; WALKER-WARBURG SYNDROME OR MUSCLE-EYE-BRAIN DISEASE, POMT2-RELATED. Identifiers: Orphanet 588, Orphanet 899, MedGen C3150411, MONDO:0013154, OMIM 613150.
Autosomal recessive limb-girdle muscular dystrophy type 2N. Also called: MUSCULAR DYSTROPHY-DYSTROGLYCANOPATHY, LIMB-GIRDLE, POMT2-RELATED; Muscular dystrophy-dystroglycanopathy (limb-girdle), type C, 2. Identifiers: Orphanet 206559, MedGen C3150418, MONDO:0013162, OMIM 613158.

Submission:

Labcorp Genetics (formerly Invitae), Labcorp
Classification: Pathogenic for Muscular dystrophy-dystroglycanopathy (congenital with impaired intellectual development), type B, 2; Muscular dystrophy-dystroglycanopathy (congenital with brain and eye anomalies), type A2; Autosomal recessive limb-girdle muscular dystrophy type 2N. Last evaluated: 2022-11-28. Review status: criteria provided, single submitter. Criteria: Invitae Variant Classification Sherloc (09022015). Collection method: clinical testing. Allele origin: germline.
Comment: This sequence change creates a premature translational stop signal (p.Leu377*) in the POMT2 gene. It is expected to result in an absent or disrupted protein product. Loss-of-function variants in POMT2 are known to be pathogenic (PMID: 15894594). This variant is not present in population databases (gnomAD no frequency). This variant has not been reported in the literature in individuals affected with POMT2-related conditions. For these reasons, this variant has been classified as Pathogenic.

Literature cited by the submitters: PubMed 15894594.